The following is an entry in ClinVar:

ClinVar aggregate classification (germline): Conflicting classifications of pathogenicity. Review status: criteria provided, conflicting classifications (1 of 4 stars). 7 submissions from 7 submitters: Likely pathogenic (4); Uncertain significance (2). 1 of the submissions does not count toward it. Last evaluated 2024-12-26.

Conditions:
Hereditary cancer-predisposing syndrome. Also called: Hereditary Cancer Syndrome; Tumor predisposition; Neoplastic Syndromes, Hereditary; Hereditary neoplastic syndrome. Identifiers: Orphanet 140162, MedGen C0027672, MeSH D009386, MONDO:0015356.
Familial adenomatous polyposis 2. Also called: COLORECTAL ADENOMATOUS POLYPOSIS, AUTOSOMAL RECESSIVE; FAP type 2; MUTYH-associated polyposis; MUTYH Polyposis; ADENOMAS, MULTIPLE COLORECTAL, AUTOSOMAL RECESSIVE; Adenomas, multiple colorectal. Identifiers: Orphanet 220460, Orphanet 247798, MedGen C3272841, MONDO:0012041, OMIM 608456.
Gastric cancer. Also called: Malignant tumor of stomach; Stomach cancer. Identifiers: MedGen C0024623, MeSH D013274, MONDO:0001056, OMIM 613659, HP:0012126.

Allele frequency attached by ClinVar (database versions not stated): TOPMed below 0.00001.
gnomAD v4.1: 1 of 1,609,934 alleles (0.000062%); no homozygotes.

Submissions (7):

Labcorp Genetics (formerly Invitae), Labcorp
Classification: Likely pathogenic for Familial adenomatous polyposis 2. Last evaluated: 2024-12-26. Review status: criteria provided, single submitter. Criteria: Invitae Variant Classification Sherloc (09022015). Collection method: clinical testing. Allele origin: germline.
Comment: This sequence change creates a premature translational stop signal (p.Gln501*) in the MUTYH gene. While this is not anticipated to result in nonsense mediated decay, it is expected to disrupt the last 49 amino acid(s) of the MUTYH protein. This variant is not present in population databases (gnomAD no frequency). This variant has not been reported in the literature in individuals affected with MUTYH-related conditions. ClinVar contains an entry for this variant (Variation ID: 620207). Algorithms developed to predict the effect of sequence changes on RNA splicing suggest that this variant may disrupt the consensus splice site. This variant disrupts the conserved PCNA binding motif of the MUTYH protein, which has been shown to be critical for MUTYH-PCNA binding and repair efficiency (PMID: 11092888, 26377631, 11433026, 11864576). While functional studies have not been performed to directly test the effect of this variant on MUTYH protein function, this suggests that disruption of this region of the protein is causative of disease. In summary, the currently available evidence indicates that the variant is pathogenic, but additional data are needed to prove that conclusively. Therefore, this variant has been classified as Likely Pathogenic.

Ambry Genetics
Classification: Uncertain significance for Hereditary cancer-predisposing syndrome. Last evaluated: 2024-10-28. Review status: criteria provided, single submitter. Criteria: Ambry Variant Classification Scheme 2023. Collection method: clinical testing. Allele origin: germline.
Comment: The p.Q501* variant (also known as c.1501C>T), located in coding exon 15 of the MUTYH gene, results from a C to T substitution at nucleotide position 1501. This changes the amino acid from a glutamine to a stop codon within coding exon 15. Premature stop codons are typically deleterious in nature; however, this stop codon occurs at the 3' terminus of MUTYH, is not expected to trigger nonsense-mediated mRNA decay, and removes only the last 49 amino acids of the protein. The exact functional impact of these removed amino acids is unknown at this time; however, structural analysis suggests that this alteration is expected to result in loss of predicted and confirmed interaction and regulatory domains, including PCNA-binding Pip domain, which results in loss of DNA repair function in-vitro (Chang DY et al. J. Biol. Chem. 2002 Apr;277:11853-8). Since supporting evidence is limited at this time, the clinical significance of this alteration remains unclear.

Mendelics
Classification: Uncertain significance. Last evaluated: 2022-05-04. Review status: criteria provided, single submitter. Criteria: Mendelics Assertion Criteria 2019. Collection method: clinical testing. Allele origin: germline.

Baylor Genetics
Classification: Likely pathogenic for Familial adenomatous polyposis 2. Last evaluated: 2022-02-08. Review status: criteria provided, single submitter. Criteria: ACMG Guidelines, 2015. Collection method: clinical testing. Allele origin: unknown.

Color Diagnostics, LLC DBA Color Health
Classification: Likely pathogenic for Hereditary cancer-predisposing syndrome. Last evaluated: 2019-10-29. Review status: criteria provided, single submitter. Criteria: ACMG Guidelines, 2015. Collection method: clinical testing. Allele origin: germline.
Comment: This variant changes 1 nucleotide in exon 15 of the MUTYH gene, creating a premature translation stop signal. While this variant is not expected to trigger nonsense-mediate decay, it is predicted to truncate the C-terminus of the protein that has been shown to be important for PCNA binding (PMID: 11092888). Splice site prediction tools suggest that this variant may not impact RNA splicing. To our knowledge, functional studies have not been performed for this variant. This variant has not been reported in individuals affected with hereditary cancer in the literature. This variant has not been identified in the general population by the Genome Aggregation Database (gnomAD). Based on the available evidence, this variant is classified as Likely Pathogenic.

GeneDx
Classification: Likely pathogenic. Last evaluated: 2018-05-21. Review status: criteria provided, single submitter. Criteria: GeneDx Variant Classification (06012015). Collection method: clinical testing. Allele origin: germline. Affected: yes.
Comment: This variant is denoted MUTYH c.1501C>T at the cDNA level and p.Gln501Ter (Q501X) at the protein level. The substitution creates a nonsense variant, which changes a Glutamine to a premature stop codon (CAG>TAG), and is predicted to cause loss of normal protein function through protein truncation. Even though this frameshift occurs near the end of the gene in the second to last exon, and nonsense-mediated decay is not expected to occur, it is significant since the last 49 amino acids are no longer translated. Furthermore, the truncation would disrupt the PCNA domain (Parker 2001, Ruggieri 2013). Although this variant has not, to our knowledge, been reported in the literature as a germline variant, it is considered likely pathogenic.

Laboratory for Genotyping Development, RIKEN
Classification: Pathogenic for Gastric cancer. Last evaluated: 2021-07-01. Review status: no assertion criteria provided. Collection method: research. Allele origin: germline. Not counted in ClinVar's aggregate classification.

Literature cited by the submitters: PubMed 11092888 (cited by Labcorp Genetics (formerly Invitae), Labcorp); PubMed 26377631 (cited by Labcorp Genetics (formerly Invitae), Labcorp); PubMed 11433026 (cited by Labcorp Genetics (formerly Invitae), Labcorp); PubMed 11864576 (cited by Labcorp Genetics (formerly Invitae), Labcorp); PubMed 11805113 (cited by Ambry Genetics); PubMed 36988593 (cited by Laboratory for Genotyping Development, RIKEN).

NM_001048174.2(MUTYH):c.1417C>T (p.Gln473Ter)

Gene: MUTYH (mutY DNA glycosylase; minus strand). Cytogenetic location: 1p34.1.
Variant type: single nucleotide variant.
Coding change: c.1417C>T on transcript NM_001048174.2 (MANE Select); coding-DNA position 1417, C replaced by T.
Protein change: p.Gln473Ter; replaces glutamine 473 with a stop codon.
Molecular consequence: nonsense. On other transcripts: non-coding transcript variant (2).
Genome position (GRCh38, 1-based): chr1:45,330,533, G>A on the plus strand (C>T on the coding strand, the complement: MUTYH is on the minus strand). VCF-style: chr1-45330533-G-A. GRCh37 (hg19) VCF-style: chr1-45796205-G-A.
Other names: c.1417C>T, p.Gln473Ter (NM_001048171.2, NM_001048173.2, NM_001293195.2); c.1420C>T, p.Gln474Ter (NM_001048172.2); c.1501C>T, p.Gln501Ter (NM_001128425.2); c.1462C>T, p.Gln488Ter (NM_001293190.2); c.1450C>T, p.Gln484Ter (NM_001293191.2); c.1141C>T, p.Gln381Ter (NM_001293192.2, NM_001293196.2); c.1072C>T, p.Gln358Ter (NM_001350650.2, NM_001350651.2); c.1492C>T, p.Gln498Ter (NM_012222.3); short protein forms Q501*, Q358*, Q381*, Q474*, Q473*, Q484*, Q488*, Q498*.
Identifiers: ClinVar variation 620207 (VCV000620207.45), dbSNP rs932830392, ClinGen allele CA21835283.